The following is an entry in ClinVar:

NM_001365951.3(KIF1B):c.609-5T>C

Gene: KIF1B (kinesin family member 1B; plus strand). Cytogenetic location: 1p36.22.
Variant type: single nucleotide variant.
Coding change: c.609-5T>C on transcript NM_001365951.3 (MANE Select); 5 bases into the intron before coding-DNA position 609, T replaced by C.
Molecular consequence: intron variant.
Genome position (GRCh38, 1-based): chr1:10,268,147, T>C. VCF-style: chr1-10268147-T-C. GRCh37 (hg19) VCF-style: chr1-10328205-T-C.
Other names: c.609-5T>C (NM_183416.4, NM_015074.3, NM_001365952.1 and 1 more transcripts).
Identifiers: ClinVar variation 3288384 (VCV003288384.1).
Genomic context (GRCh38, chr1:10,268,147, plus strand): 5'-TGCTGTCCATTTCAACTCTCATCTAAGAATTCCCTTGTCACGTGGTCACCTTTATGTTTA[T>C]TTAGGACAGTGGCAGCTACAAACATGAATGAAACAAGTAGCCGTTCCCACGCTGTGTTTA-3'

ClinVar aggregate classification (germline): Uncertain significance (1 of 4 stars; one submission).

gnomAD v4.1: 1 of 1,607,042 alleles (0.000062%); highest among the groups gnomAD compares: African/African-American, 0.0013%; no homozygotes.

Submission:

Ambry Genetics
Classification: Uncertain significance. Last evaluated: 2024-04-15. Review status: criteria provided, single submitter. Criteria: Ambry Variant Classification Scheme 2023. Collection method: clinical testing. Allele origin: germline.
Comment: The c.609-5T>C intronic variant results from a T to C substitution 5 nucleotides upstream from coding exon 6 in the KIF1B gene. This nucleotide position is well conserved in available vertebrate species. In silico splice site analysis predicts that this alteration will not have any significant effect on splicing. The evidence for this gene-disease relationship is limited; therefore, the clinical significance of this alteration is unclear.